The following is an entry in ClinVar:

ClinVar aggregate classification (germline): Uncertain significance (1 of 4 stars; one submission).

Allele frequency attached by ClinVar (database versions not stated): ExAC 0.00001; gnomAD 0.00001; TOPMed 0.00001; ESP Exome Variant Server 0.00015.
gnomAD v4.1: 8 of 1,614,046 alleles (0.0005%); highest among the groups gnomAD compares: Non-Finnish European, 0.00068%; no homozygotes.

Submission:

GeneDx
Classification: Uncertain significance. Last evaluated: 2022-04-28. Review status: criteria provided, single submitter. Criteria: GeneDx Variant Classification Process June 2021. Collection method: clinical testing. Allele origin: germline. Affected: yes.
Comment: Not observed at significant frequency in large population cohorts (gnomAD); In silico analysis supports that this missense variant does not alter protein structure/function; Has not been previously published as pathogenic or benign to our knowledge

NM_001039141.3(TRIOBP):c.5405C>T (p.Thr1802Ile)

Genes: TRIOBP (TRIO and F-actin binding protein; plus strand), LOC126863145 (CDK7 strongly-dependent group 2 enhancer GRCh37_chr22:38150829-38152028; plus strand). Cytogenetic location: 22q13.1.
Variant type: single nucleotide variant.
Coding change: c.5405C>T on transcript NM_001039141.3 (MANE Select); coding-DNA position 5405, C replaced by T.
Protein change: p.Thr1802Ile; replaces threonine 1802 with isoleucine.
Molecular consequence: missense variant.
Genome position (GRCh38, 1-based): chr22:37,754,902, C>T. VCF-style: chr22-37754902-C-T. GRCh37 (hg19) VCF-style: chr22-38150909-C-T.
Other names: c.266C>T, p.Thr89Ile (NM_007032.5, NM_138632.2); short protein forms T1802I, T89I.
Identifiers: ClinVar variation 1712894 (VCV001712894.2), dbSNP rs148574550, ClinGen allele CA10224684.